The following is an entry in ClinVar:

ClinVar aggregate classification (germline): Uncertain significance (1 of 4 stars; one submission).

Allele frequency attached by ClinVar (database versions not stated): gnomAD 0.00001; gnomAD exomes 0.00001; TOPMed 0.00001; ESP Exome Variant Server 0.00008.
gnomAD v4.1: 4 of 1,613,242 alleles (0.00025%); highest among the groups gnomAD compares: East Asian, 0.0022%; no homozygotes.

Submission:

Labcorp Genetics (formerly Invitae), Labcorp
Classification: Uncertain significance. Last evaluated: 2022-07-12. Review status: criteria provided, single submitter. Criteria: Invitae Variant Classification Sherloc (09022015). Collection method: clinical testing. Allele origin: germline.
Comment: This variant is present in population databases (rs377643544, gnomAD 0.006%). ClinVar contains an entry for this variant (Variation ID: 1416317). This variant has not been reported in the literature in individuals affected with PACS2-related conditions. This sequence change replaces serine, which is neutral and polar, with glycine, which is neutral and non-polar, at codon 184 of the PACS2 protein (p.Ser184Gly). Algorithms developed to predict the effect of missense changes on protein structure and function output the following: SIFT: "Tolerated"; PolyPhen-2: "Benign"; Align-GVGD: "Class C0". The glycine amino acid residue is found in multiple mammalian species, which suggests that this missense change does not adversely affect protein function. In summary, the available evidence is currently insufficient to determine the role of this variant in disease. Therefore, it has been classified as a Variant of Uncertain Significance.

NM_001100913.3(PACS2):c.550A>G (p.Ser184Gly)

Gene: PACS2 (phosphofurin acidic cluster sorting protein 2; plus strand). Cytogenetic location: 14q32.33.
Variant type: single nucleotide variant.
Coding change: c.550A>G on transcript NM_001100913.3 (MANE Select); coding-DNA position 550, A replaced by G.
Protein change: p.Ser184Gly; replaces serine 184 with glycine.
Molecular consequence: missense variant.
Genome position (GRCh38, 1-based): chr14:105,367,339, A>G. VCF-style: chr14-105367339-A-G. GRCh37 (hg19) VCF-style: chr14-105833676-A-G.
Other names: c.349A>G, p.Ser117Gly (NM_001243127.3); c.550A>G, p.Ser184Gly (NM_015197.4); short protein forms S117G, S184G.
Identifiers: ClinVar variation 1416317 (VCV001416317.6), dbSNP rs377643544, ClinGen allele CA7388410.
Genomic context (GRCh38, chr14:105,367,339, plus strand): 5'-GTCAAGGCGGCCGAGATCTGGATCGCCTCCCTGTCCAGCCAGCCCATTGACCACGAAGAC[A>G]GCACCATGCAGGCCGGCCCCAAGGCCAAGTCCACGGGTGAGTGTGGTGCCAGCCCGCTCC-3'
Protein context (NP_001094383.2, residues 174-194): LSSQPIDHED[Ser184Gly]TMQAGPKAKS